The following is an entry in ClinVar:

NM_020822.3(KCNT1):c.2729+5G>A

Gene: KCNT1 (potassium sodium-activated channel subfamily T member 1; plus strand). Cytogenetic location: 9q34.3.
Variant type: single nucleotide variant.
Coding change: c.2729+5G>A on transcript NM_020822.3 (MANE Select); 5 bases into the intron after coding-DNA position 2729, G replaced by A.
Molecular consequence: intron variant.
Genome position (GRCh38, 1-based): chr9:135,778,827, G>A. VCF-style: chr9-135778827-G-A. GRCh37 (hg19) VCF-style: chr9-138670673-G-A.
Other names: c.2594+5G>A (NM_001272003.2).
Identifiers: ClinVar variation 1042702 (VCV001042702.26), dbSNP rs759836338, ClinGen allele CA5327399.
Genomic context (GRCh38, chr9:135,778,827, plus strand): 5'-GAGGAGGACTACATGGCGGACGCCAAGACCATCGTCAACGTGCAGACCATGTTCCGGTGC[G>A]TCCAGTGTCCGGGGCTCGGCTCTAAACCACCCCACAGCCACGACCACGGGCCCTCGCCCT-3'

ClinVar aggregate classification (germline): Uncertain significance. Review status: criteria provided, multiple submitters, no conflicts (2 of 4 stars). 3 submissions from 3 submitters: Uncertain significance (3). Last evaluated 2025-04-18.

Conditions:
Developmental and epileptic encephalopathy, 14 (DEE14). Also called: Early infantile epileptic encephalopathy 14. Identifiers: Orphanet 293181, MedGen C3554195, MONDO:0013989, OMIM 614959.
Autosomal dominant nocturnal frontal lobe epilepsy 5. Also called: KCNT1-Related Epilepsy; Epilepsy, nocturnal frontal lobe, 5; CILIARY DYSKINESIA, PRIMARY, 28, WITHOUT SITUS INVERSUS; CILIARY DYSKINESIA, PRIMARY, 28, WITH SITUS INVERSUS. Identifiers: Orphanet 98784, MedGen C3554306, MONDO:0014002, OMIM 615005.

Allele frequency attached by ClinVar (database versions not stated): gnomAD 0.00001; gnomAD exomes 0.00002; TOPMed 0.00002; ExAC 0.00005.
gnomAD v4.1: 10 of 1,613,108 alleles (0.00062%); highest among the groups gnomAD compares: Admixed American, 0.0033%; no homozygotes.

Submissions (4):

Labcorp Genetics (formerly Invitae), Labcorp
Classification: Uncertain significance for Autosomal dominant nocturnal frontal lobe epilepsy 5; Developmental and epileptic encephalopathy, 14. Last evaluated: 2025-04-18. Review status: criteria provided, single submitter. Criteria: Invitae Variant Classification Sherloc (09022015). Collection method: clinical testing. Allele origin: germline.
Comment: This sequence change falls in intron 23 of the KCNT1 gene. It does not directly change the encoded amino acid sequence of the KCNT1 protein. It affects a nucleotide within the consensus splice site. This variant is present in population databases (rs759836338, gnomAD 0.003%). This variant has been observed in individuals with clinical features of KCNT1-related conditions (internal data). ClinVar contains an entry for this variant (Variation ID: 1042702). Variants that disrupt the consensus splice site are a relatively common cause of aberrant splicing (PMID: 17576681, 9536098). Algorithms developed to predict the effect of sequence changes on RNA splicing suggest that this variant may disrupt the consensus splice site. In summary, the available evidence is currently insufficient to determine the role of this variant in disease. Therefore, it has been classified as a Variant of Uncertain Significance.

Blueprint Genetics
Classification: Uncertain significance. Last evaluated: 2024-10-24. Review status: criteria provided, single submitter. Criteria: ACMG Guidelines, 2015. Collection method: clinical testing. Allele origin: germline.

CeGaT Center for Human Genetics Tuebingen
Classification: Uncertain significance. Last evaluated: 2024-07-01. Review status: criteria provided, single submitter. Criteria: CeGaT Center For Human Genetics Tuebingen Variant Classification Criteria Version 2. Collection method: clinical testing. Allele origin: germline. Affected: yes. Observed: 1 variant allele.
Comment: KCNT1: PP3

Dr. Peter K. Rogan Lab, Western University
No classification provided (evidence only). Condition: Gastric cancer. Review status: no classification provided. Collection method: in vitro. Allele origin: not applicable. Functional consequence: retained intron. Not counted in ClinVar's aggregate classification.

Literature cited by the submitters: PubMed 17576681 (cited by Labcorp Genetics (formerly Invitae), Labcorp); PubMed 9536098 (cited by Labcorp Genetics (formerly Invitae), Labcorp).